The following is an entry in ClinVar:

NM_003072.5(SMARCA4):c.435G>A (p.Met145Ile)

Gene: SMARCA4 (SWI/SNF related BAF chromatin remodeling complex subunit ATPase 4; plus strand). Cytogenetic location: 19p13.2.
Variant type: single nucleotide variant.
Coding change: c.435G>A on transcript NM_003072.5 (MANE Select); coding-DNA position 435, G replaced by A.
Protein change: p.Met145Ile; replaces methionine 145 with isoleucine.
Molecular consequence: missense variant. On other transcripts: non-coding transcript variant (1).
Genome position (GRCh38, 1-based): chr19:10,986,268, G>A. VCF-style: chr19-10986268-G-A. GRCh37 (hg19) VCF-style: chr19-11096944-G-A.
Other names: c.435G>A, p.Met145Ile (NM_001128844.3, NM_001128845.2, NM_001128846.2 and 5 more transcripts); short protein forms M145I.
Identifiers: ClinVar variation 660926 (VCV000660926.12), dbSNP rs766377662, ClinGen allele CA9203507.

ClinVar aggregate classification (germline): Uncertain significance. Review status: criteria provided, multiple submitters, no conflicts (2 of 4 stars). 2 submissions from 2 submitters: Uncertain significance (2). Last evaluated 2025-06-11.

Conditions:
Rhabdoid tumor predisposition syndrome 2 (RTPS2). Identifiers: Orphanet 231108, Orphanet 69077, MedGen C2750074, MONDO:0013224, OMIM 613325.
Hereditary cancer-predisposing syndrome. Also called: Neoplastic Syndromes, Hereditary; Tumor predisposition; Hereditary neoplastic syndrome; Hereditary Cancer Syndrome. Identifiers: Orphanet 140162, MedGen C0027672, MeSH D009386, MONDO:0015356.

Allele frequency attached by ClinVar (database versions not stated): gnomAD exomes below 0.00001; ExAC 0.00001.

Submissions (2):

Labcorp Genetics (formerly Invitae), Labcorp
Classification: Uncertain significance for Rhabdoid tumor predisposition syndrome 2. Last evaluated: 2025-06-11. Review status: criteria provided, single submitter. Criteria: Invitae Variant Classification Sherloc (09022015). Collection method: clinical testing. Allele origin: germline.
Comment: This sequence change replaces methionine, which is neutral and non-polar, with isoleucine, which is neutral and non-polar, at codon 145 of the SMARCA4 protein (p.Met145Ile). This variant is not present in population databases (gnomAD no frequency). This variant has not been reported in the literature in individuals affected with SMARCA4-related conditions. ClinVar contains an entry for this variant (Variation ID: 660926). Invitae Evidence Modeling of protein sequence and biophysical properties (such as structural, functional, and spatial information, amino acid conservation, physicochemical variation, residue mobility, and thermodynamic stability) indicates that this missense variant is not expected to disrupt SMARCA4 protein function with a negative predictive value of 80%. In summary, the available evidence is currently insufficient to determine the role of this variant in disease. Therefore, it has been classified as a Variant of Uncertain Significance.

Ambry Genetics
Classification: Uncertain significance for Hereditary cancer-predisposing syndrome. Last evaluated: 2023-08-16. Review status: criteria provided, single submitter. Criteria: Ambry Variant Classification Scheme 2023. Collection method: clinical testing. Allele origin: germline.
Comment: The p.M145I variant (also known as c.435G>A), located in coding exon 3 of the SMARCA4 gene, results from a G to A substitution at nucleotide position 435. The methionine at codon 145 is replaced by isoleucine, an amino acid with highly similar properties. This amino acid position is well conserved in available vertebrate species. In addition, the in silico prediction for this alteration is inconclusive. Missense and in-frame variants in SMARCA4 are known to cause neurodevelopmental disorders; however, such associations with rhabdoid tumor predisposition syndrome including small cell carcinoma of the ovary-hypercalcemic type (SCCOHT) are exceedingly rare (Kosho T et al. Am J Med Genet C Semin Med Genet. 2014 Sep;166C(3):262-75; Jelinic P et al. Nat Genet. 2014 May;46(5):424-6). Based on the supporting evidence, the association of this alteration with Coffin-Siris syndrome is unknown; however, the association of this alteration with rhabdoid tumor predisposition syndrome is unlikely.